The following is an entry in ClinVar:

NM_001363711.2(DUOX2):c.2921+101_3001del

Gene: DUOX2 (dual oxidase 2; minus strand). Cytogenetic location: 15q21.1.
Variant type: Deletion.
Coding change: c.2921+101_3001del on transcript NM_001363711.2 (MANE Select); 101 bases into the intron after coding-DNA position 2921 through coding-DNA position 3001, 346 bases deleted.
Molecular consequence: splice acceptor variant.
Genome position (GRCh38, 1-based): chr15:45,100,759-45,101,104, 346 bases deleted. GRCh37 (hg19): chr15:45,392,961-45,393,306.
Other names: c.2921+101_3001del (NM_014080.5).
Identifiers: ClinVar variation 2703968 (VCV002703968.3), dbSNP rs2504753203, ClinGen allele CA2697551986.

ClinVar aggregate classification (germline): Likely pathogenic (1 of 4 stars; one submission).

Submission:

Labcorp Genetics (formerly Invitae), Labcorp
Classification: Likely pathogenic. Last evaluated: 2023-12-18. Review status: criteria provided, single submitter. Criteria: Invitae Variant Classification Sherloc (09022015). Collection method: clinical testing. Allele origin: germline.
Comment: This variant results in the deletion of part of exon 23 (c.2921+101_3001del) of the DUOX2 gene. It is expected to disrupt RNA splicing. Variants that disrupt the donor or acceptor splice site typically lead to a loss of protein function (PMID: 16199547), and loss-of-function variants in DUOX2 are known to be pathogenic (PMID: 12110737, 18765513, 21565790, 24423310, 24735383). This variant is not present in population databases (gnomAD no frequency). This variant has not been reported in the literature in individuals affected with DUOX2-related conditions. In summary, the currently available evidence indicates that the variant is pathogenic, but additional data are needed to prove that conclusively. Therefore, this variant has been classified as Likely Pathogenic.

Literature cited by the submitters: PubMed 16199547; PubMed 12110737; PubMed 18765513; PubMed 21565790; PubMed 24423310; PubMed 24735383.